The following is an entry in ClinVar:

NM_000719.7(CACNA1C):c.5136C>T (p.Ser1712=)

Genes: CACNA1C (calcium voltage-gated channel subunit alpha1 C; plus strand), CACNA1C-AS1 (CACNA1C antisense RNA 1; minus strand). Cytogenetic location: 12p13.33.
Variant type: single nucleotide variant.
Coding change: c.5136C>T on transcript NM_000719.7 (MANE Select); coding-DNA position 5136, C replaced by T.
Protein change: p.Ser1712=; no amino-acid change (serine 1712 retained).
Molecular consequence: synonymous variant.
Genome position (GRCh38, 1-based): chr12:2,679,488, C>T. VCF-style: chr12-2679488-C-T. GRCh37 (hg19) VCF-style: chr12-2788654-C-T.
Other names: c.5280C>T, p.Ser1760= (NM_001129827.2, NM_199460.4); c.5259C>T, p.Ser1753= (NM_001129829.2); c.5136C>T, p.Ser1712= (NM_001129830.3, NM_001129840.2, NM_001129841.2 and 4 more transcripts); c.5220C>T, p.Ser1740= (NM_001129831.2); c.5196C>T, p.Ser1732= (NM_001129832.2); c.5193C>T, p.Ser1731= (NM_001129833.2, NM_001129834.2, NM_001129835.2); c.5187C>T, p.Ser1729= (NM_001129836.2); c.5160C>T, p.Ser1720= (NM_001129837.2, NM_001129838.2); and 3 more.
Identifiers: ClinVar variation 456975 (VCV000456975.20), dbSNP rs780871697, ClinGen allele CA6389713.

ClinVar aggregate classification (germline): Benign/Likely benign. Review status: criteria provided, multiple submitters, no conflicts (2 of 4 stars). 5 submissions from 5 submitters: Benign (1); Likely benign (3). 1 of the submissions does not count toward it. Last evaluated 2025-11-12.

Conditions:
Cardiovascular phenotype. Identifiers: MedGen CN230736.
CACNA1C-related disorder. Also called: CACNA1C-related disorders; CACNA1C-related condition. Identifiers: MedGen CN381092, MONDO:0700321.
Long QT syndrome (LQTS). Identifiers: MedGen C0023976, MeSH D008133, MONDO:0002442. Disease mechanism: loss of function. Inheritance: Various modes of inheritance.

Allele frequency attached by ClinVar (database versions not stated): gnomAD 0.00004; TOPMed 0.00009; gnomAD exomes 0.00006 and 0.00007; ExAC 0.00016.
gnomAD v4.1: 110 of 1,602,446 alleles (0.0069%); highest among the groups gnomAD compares: Admixed American, 0.015%; no homozygotes.

Submissions (6):

Labcorp Genetics (formerly Invitae), Labcorp
Classification: Likely benign for Long QT syndrome. Last evaluated: 2025-11-12. Review status: criteria provided, single submitter. Criteria: Invitae Variant Classification Sherloc (09022015). Collection method: clinical testing. Allele origin: germline.

ARUP Laboratories, Molecular Genetics and Genomics, ARUP Laboratories
Classification: Likely benign. Last evaluated: 2024-10-21. Review status: criteria provided, single submitter. Criteria: ARUP Molecular Germline Variant Investigation Process 2024. Collection method: clinical testing. Allele origin: germline.

Ambry Genetics
Classification: Likely benign for Cardiovascular phenotype. Last evaluated: 2019-04-03. Review status: criteria provided, single submitter. Criteria: Ambry Variant Classification Scheme 2023. Collection method: clinical testing. Allele origin: germline.

GeneDx
Classification: Benign. Last evaluated: 2015-03-03. Review status: criteria provided, single submitter. Criteria: GeneDx Variant Classification Process June 2021. Collection method: clinical testing. Allele origin: germline. Affected: yes.

PreventionGenetics, part of Exact Sciences
Classification: Likely benign for CACNA1C-related condition. Last evaluated: 2019-09-17. Review status: no assertion criteria provided. Collection method: clinical testing. Allele origin: germline. Not counted in ClinVar's aggregate classification.
Comment: This variant is classified as likely benign based on ACMG/AMP sequence variant interpretation guidelines (Richards et al. 2015 PMID: 25741868, with internal and published modifications).

Dr. Peter K. Rogan Lab, Western University
No classification provided (evidence only). Condition: Uterine corpus endometrial carcinoma. Review status: no classification provided. Collection method: in vitro. Allele origin: not applicable. Functional consequence: retained intron. Not counted in ClinVar's aggregate classification.